The following is an entry in ClinVar:

ClinVar aggregate classification (germline): Uncertain significance. Review status: criteria provided, multiple submitters, no conflicts (2 of 4 stars). 2 submissions from 2 submitters: Uncertain significance (2). Last evaluated 2023-11-08.

Allele frequency attached by ClinVar (database versions not stated): 1000 Genomes Project 30x 0.00031; ExAC 0.00031; 1000 Genomes Project 0.00040.
gnomAD v4.1: 87 of 1,614,058 alleles (0.0054%); highest among the groups gnomAD compares: South Asian, 0.085%; 1 homozygote.

Submissions (2):

GeneDx
Classification: Uncertain significance. Last evaluated: 2023-11-08. Review status: criteria provided, single submitter. Criteria: GeneDx Variant Classification Process June 2021. Collection method: clinical testing. Allele origin: germline. Affected: yes.
Comment: In silico analysis supports that this missense variant does not alter protein structure/function; Has not been previously published as pathogenic or benign to our knowledge

Labcorp Genetics (formerly Invitae), Labcorp
Classification: Uncertain significance. Last evaluated: 2022-08-31. Review status: criteria provided, single submitter. Criteria: Invitae Variant Classification Sherloc (09022015). Collection method: clinical testing. Allele origin: germline.
Comment: This sequence change replaces serine, which is neutral and polar, with phenylalanine, which is neutral and non-polar, at codon 574 of the DMXL2 protein (p.Ser574Phe). This variant is present in population databases (rs536579523, gnomAD 0.2%), including at least one homozygous and/or hemizygous individual. This variant has not been reported in the literature in individuals affected with DMXL2-related conditions. Algorithms developed to predict the effect of missense changes on protein structure and function are either unavailable or do not agree on the potential impact of this missense change (SIFT: "Deleterious"; PolyPhen-2: "Benign"; Align-GVGD: "Class C0"). In summary, the available evidence is currently insufficient to determine the role of this variant in disease. Therefore, it has been classified as a Variant of Uncertain Significance.

NM_001378457.1(DMXL2):c.1721C>T (p.Ser574Phe)

Gene: DMXL2 (Dmx like 2; minus strand). Cytogenetic location: 15q21.2.
Variant type: single nucleotide variant.
Coding change: c.1721C>T on transcript NM_001378457.1 (MANE Select); coding-DNA position 1721, C replaced by T.
Protein change: p.Ser574Phe; replaces serine 574 with phenylalanine.
Molecular consequence: missense variant. On other transcripts: non-coding transcript variant (2).
Genome position (GRCh38, 1-based): chr15:51,536,759, G>A on the plus strand (C>T on the coding strand, the complement: DMXL2 is on the minus strand). VCF-style: chr15-51536759-G-A. GRCh37 (hg19) VCF-style: chr15-51828956-G-A.
Other names: c.1721C>T, p.Ser574Phe (NM_001174116.3, NM_001174117.3, NM_001378458.1 and 6 more transcripts); c.1481C>T, p.Ser494Phe (NM_001378464.1); c.1721C>T (NM_001174116.1); short protein forms S494F, S574F.
Identifiers: ClinVar variation 1909219 (VCV001909219.3), dbSNP rs536579523, ClinGen allele CA7562518.